The following is an entry in ClinVar:

ClinVar aggregate classification (germline): Benign (1 of 4 stars; one submission).

Conditions:
Leigh syndrome (NULS). Also called: Leigh's necrotizing encephalopathy; Leigh's disease; Leigh Syndrome (mtDNA deletion); Leigh Disease; Subacute necrotizing encephalopathy; Necrotizing encephalopathy infantile subacute of Leigh. Identifiers: Orphanet 506, MedGen C2931891, MONDO:0009723, OMIM 256000.

Submission:

Wong Mito Lab, Molecular and Human Genetics, Baylor College of Medicine
Classification: Benign for Leigh syndrome. Last evaluated: 2019-10-17. Review status: criteria provided, single submitter. Criteria: Modified ACMG Guidelines (Unpublished). Collection method: clinical testing. Allele origin: germline.
Comment: The NC_012920.1:m.11061C>T (YP_003024035.1:p.Ser101Phe) variant in MTND4 gene is interpretated to be a Benign variant based on the modified ACMG guidelines (unpublished). This variant meets the following evidence codes: BS1, BS2, BP4

NC_012920.1(MT-ND4):m.11061C>T

Gene: MT-ND4 (mitochondrially encoded NADH dehydrogenase 4; plus strand).
Variant type: single nucleotide variant.
Genome position: chrM-11061-C-T.
Identifiers: ClinVar variation 693338 (VCV000693338.1), dbSNP rs879204439, ClinGen allele CA337099082.